The following is an entry in ClinVar:

NM_004380.3(CREBBP):c.4103C>T (p.Thr1368Met)

Gene: CREBBP (CREB binding lysine acetyltransferase; minus strand). Cytogenetic location: 16p13.3.
Variant type: single nucleotide variant.
Coding change: c.4103C>T on transcript NM_004380.3 (MANE Select); coding-DNA position 4103, C replaced by T.
Protein change: p.Thr1368Met; replaces threonine 1368 with methionine.
Molecular consequence: missense variant.
Genome position (GRCh38, 1-based): chr16:3,740,429, G>A on the plus strand (C>T on the coding strand, the complement: CREBBP is on the minus strand). VCF-style: chr16-3740429-G-A. GRCh37 (hg19) VCF-style: chr16-3790430-G-A.
Other names: c.3989C>T, p.Thr1330Met (NM_001079846.1); short protein forms T1330M, T1368M.
Identifiers: ClinVar variation 3349242 (VCV003349242.4).

ClinVar aggregate classification (germline): Conflicting classifications of pathogenicity. Review status: criteria provided, conflicting classifications (1 of 4 stars). 3 submissions from 3 submitters: Uncertain significance (1); Benign (1). 1 of the submissions does not count toward it. Last evaluated 2025-02-08.

Conditions:
Rubinstein-Taybi syndrome (RSTS). Identifiers: Orphanet 783, MedGen C0035934, MONDO:0019188.
CREBBP-related disorder. Also called: CREBBP-related condition; CREBBP-related disorders.
Menke-Hennekam syndrome 1 (MKHK1). Identifiers: MedGen C5193034, MONDO:0020763, OMIM 618332.
Rubinstein-Taybi syndrome due to CREBBP mutations (RSTS1). Also called: BROAD THUMBS AND GREAT TOES, CHARACTERISTIC FACIES, AND IMPAIRED INTELLECTUAL DEVELOPMENT; RUBINSTEIN-TAYBI SYNDROME 1, INCOMPLETE; BROAD THUMB-HALLUX SYNDROME; RUBINSTEIN SYNDROME; Rubinstein-Taybi syndrome 1; CREBBP-Related Rubinstein-Taybi Syndrome. Identifiers: Orphanet 353277, Orphanet 783, MedGen C4551859, MONDO:0008393, OMIM 180849.

gnomAD v4.1: 90 of 1,614,038 alleles (0.0056%); highest among the groups gnomAD compares: East Asian, 0.0067%; no homozygotes.

Submissions (3):

Labcorp Genetics (formerly Invitae), Labcorp
Classification: Benign for Rubinstein-Taybi syndrome. Last evaluated: 2025-02-08. Review status: criteria provided, single submitter. Criteria: Invitae Variant Classification Sherloc (09022015). Collection method: clinical testing. Allele origin: germline.

Fulgent Genetics
Classification: Uncertain significance for Rubinstein-Taybi syndrome due to CREBBP mutations; Menke-Hennekam syndrome 1. Last evaluated: 2024-02-12. Review status: criteria provided, single submitter. Criteria: ACMG Guidelines, 2015. Collection method: clinical testing. Allele origin: germline.

PreventionGenetics, part of Exact Sciences
Classification: Uncertain significance for CREBBP-related condition. Last evaluated: 2024-09-07. Review status: no assertion criteria provided. Collection method: clinical testing. Allele origin: germline. Not counted in ClinVar's aggregate classification.
Comment: The CREBBP c.4103C>T variant is predicted to result in the amino acid substitution p.Thr1368Met. This variant was reported in an individual with acute lymphoblastic leukaemia (described as p.Thr1330Met, Table S1, de Smith et al. 2019. PubMed ID: 31102422). This variant is reported in 0.0050% of alleles in individuals of East Asian descent in gnomAD. At this time, the clinical significance of this variant is uncertain due to the absence of conclusive functional and genetic evidence.